The following is an entry in ClinVar:

NM_015425.6(POLR1A):c.937A>G (p.Ser313Gly)

Gene: POLR1A (RNA polymerase I subunit A; minus strand). Cytogenetic location: 2p11.2.
Variant type: single nucleotide variant.
Coding change: c.937A>G on transcript NM_015425.6 (MANE Select); coding-DNA position 937, A replaced by G.
Protein change: p.Ser313Gly; replaces serine 313 with glycine.
Molecular consequence: missense variant.
Genome position (GRCh38, 1-based): chr2:86,080,965, T>C on the plus strand (A>G on the coding strand, the complement: POLR1A is on the minus strand). VCF-style: chr2-86080965-T-C. GRCh37 (hg19) VCF-style: chr2-86308088-T-C.
Other names: c.937A>G (NM_015425.3); short protein forms S313G.
Identifiers: ClinVar variation 2918988 (VCV002918988.4), dbSNP rs770914124, ClinGen allele CA1746473.

ClinVar aggregate classification (germline): Uncertain significance. Review status: criteria provided, multiple submitters, no conflicts (2 of 4 stars). 2 submissions from 2 submitters: Uncertain significance (2). Last evaluated 2025-09-21.

Conditions:
Inborn genetic diseases. Identifiers: MedGen C0950123, MeSH D030342.

Allele frequency attached by ClinVar (database versions not stated): ExAC 0.00003; gnomAD 0.00007; gnomAD exomes 0.00001; TOPMed 0.00004.
gnomAD v4.1: 32 of 1,612,272 alleles (0.002%); highest among the groups gnomAD compares: East Asian, 0.0022%; no homozygotes.

Submissions (2):

Labcorp Genetics (formerly Invitae), Labcorp
Classification: Uncertain significance. Last evaluated: 2025-09-21. Review status: criteria provided, single submitter. Criteria: Invitae Variant Classification Sherloc (09022015). Collection method: clinical testing. Allele origin: germline.
Comment: This sequence change replaces serine, which is neutral and polar, with glycine, which is neutral and non-polar, at codon 313 of the POLR1A protein (p.Ser313Gly). This variant is present in population databases (rs770914124, gnomAD 0.06%). This variant has not been reported in the literature in individuals affected with POLR1A-related conditions. ClinVar contains an entry for this variant (Variation ID: 2918988). Invitae Evidence Modeling of protein sequence and biophysical properties (such as structural, functional, and spatial information, amino acid conservation, physicochemical variation, residue mobility, and thermodynamic stability) indicates that this missense variant is not expected to disrupt POLR1A protein function with a negative predictive value of 80%. In summary, the available evidence is currently insufficient to determine the role of this variant in disease. Therefore, it has been classified as a Variant of Uncertain Significance.

Ambry Genetics
Classification: Uncertain significance for Inborn genetic diseases. Last evaluated: 2024-10-11. Review status: criteria provided, single submitter. Criteria: Ambry Variant Classification Scheme 2023. Collection method: clinical testing. Allele origin: germline.